The following is an entry in ClinVar:

ClinVar aggregate classification (germline): Uncertain significance (1 of 4 stars; one submission).

Conditions:
COG1 congenital disorder of glycosylation (CDG2G). Also called: CDGII/COG1 CEREBROCOSTOMANDIBULAR-LIKE SYNDROME; CONGENITAL DISORDER OF GLYCOSYLATION, TYPE IIg; CDG IIg. Identifiers: Orphanet 263508, MedGen C2931011, MONDO:0012637, OMIM 611209.

Allele frequency attached by ClinVar (database versions not stated): ExAC 0.00001; gnomAD 0.00001; gnomAD exomes 0.00001.
gnomAD v4.1: 11 of 1,614,038 alleles (0.00068%); highest among the groups gnomAD compares: Admixed American, 0.0067%; no homozygotes.

Submission:

Labcorp Genetics (formerly Invitae), Labcorp
Classification: Uncertain significance for COG1 congenital disorder of glycosylation. Last evaluated: 2024-11-11. Review status: criteria provided, single submitter. Criteria: Invitae Variant Classification Sherloc (09022015). Collection method: clinical testing. Allele origin: germline.
Comment: This sequence change replaces glutamic acid, which is acidic and polar, with glutamine, which is neutral and polar, at codon 790 of the COG1 protein (p.Glu790Gln). This variant is present in population databases (rs749884441, gnomAD 0.006%). This variant has not been reported in the literature in individuals affected with COG1-related conditions. ClinVar contains an entry for this variant (Variation ID: 1367051). Invitae Evidence Modeling of protein sequence and biophysical properties (such as structural, functional, and spatial information, amino acid conservation, physicochemical variation, residue mobility, and thermodynamic stability) indicates that this missense variant is not expected to disrupt COG1 protein function with a negative predictive value of 80%. In summary, the available evidence is currently insufficient to determine the role of this variant in disease. Therefore, it has been classified as a Variant of Uncertain Significance.

NM_018714.3(COG1):c.2368G>C (p.Glu790Gln)

Gene: COG1 (component of oligomeric golgi complex 1; plus strand). Cytogenetic location: 17q25.1.
Variant type: single nucleotide variant.
Coding change: c.2368G>C on transcript NM_018714.3 (MANE Select); coding-DNA position 2368, G replaced by C.
Protein change: p.Glu790Gln; replaces glutamic acid 790 with glutamine.
Molecular consequence: missense variant.
Genome position (GRCh38, 1-based): chr17:73,203,779, G>C. VCF-style: chr17-73203779-G-C. GRCh37 (hg19) VCF-style: chr17-71199918-G-C.
Other names: short protein forms E790Q.
Identifiers: ClinVar variation 1367051 (VCV001367051.9), dbSNP rs749884441, ClinGen allele CA8740435.